The following is an entry in ClinVar:

ClinVar aggregate classification (germline): Uncertain significance. Review status: criteria provided, multiple submitters, no conflicts (2 of 4 stars). 4 submissions from 4 submitters: Uncertain significance (3). 1 of the submissions does not count toward it. Last evaluated 2025-04-09.

Conditions:
Fanconi anemia complementation group C (FANCC). Also called: FANCONI PANCYTOPENIA, TYPE 3; FACC; Fanconi anemia, group C; FANCC-Related Fanconi Anemia. Identifiers: Orphanet 84, MedGen C3468041, MONDO:0009213, OMIM 227645.
Hereditary cancer-predisposing syndrome. Also called: Hereditary neoplastic syndrome; Tumor predisposition; Neoplastic Syndromes, Hereditary; Hereditary Cancer Syndrome. Identifiers: Orphanet 140162, MedGen C0027672, MeSH D009386, MONDO:0015356.
Fanconi anemia (FA). Also called: Fanconi's anemia. Identifiers: Orphanet 84, MedGen C0015625, MeSH D005199, MONDO:0019391.

Allele frequency attached by ClinVar (database versions not stated): gnomAD exomes below 0.00001; ExAC 0.00002.

Submissions (4):

Ambry Genetics
Classification: Uncertain significance for Hereditary cancer-predisposing syndrome. Last evaluated: 2025-04-09. Review status: criteria provided, single submitter. Criteria: Ambry Variant Classification Scheme 2023. Collection method: clinical testing. Allele origin: germline.
Comment: The p.Y12C variant (also known as c.35A>G), located in coding exon 1 of the FANCC gene, results from an A to G substitution at nucleotide position 35. The tyrosine at codon 12 is replaced by cysteine, an amino acid with highly dissimilar properties. This amino acid position is not well conserved in available vertebrate species. In addition, this alteration is predicted to be tolerated by in silico analysis. Since supporting evidence is limited at this time, the clinical significance of this alteration remains unclear.

Labcorp Genetics (formerly Invitae), Labcorp
Classification: Uncertain significance for Fanconi anemia. Last evaluated: 2022-08-03. Review status: criteria provided, single submitter. Criteria: Invitae Variant Classification Sherloc (09022015). Collection method: clinical testing. Allele origin: germline.
Comment: This sequence change replaces tyrosine, which is neutral and polar, with cysteine, which is neutral and slightly polar, at codon 12 of the FANCC protein (p.Tyr12Cys). This variant is present in population databases (rs762884109, gnomAD 0.006%). This variant has not been reported in the literature in individuals affected with FANCC-related conditions. ClinVar contains an entry for this variant (Variation ID: 419583). Algorithms developed to predict the effect of missense changes on protein structure and function output the following: SIFT: "Tolerated"; PolyPhen-2: "Benign"; Align-GVGD: "Class C0". The cysteine amino acid residue is found in multiple mammalian species, which suggests that this missense change does not adversely affect protein function. In summary, the available evidence is currently insufficient to determine the role of this variant in disease. Therefore, it has been classified as a Variant of Uncertain Significance.

GeneDx
Classification: Uncertain significance. Last evaluated: 2015-07-30. Review status: criteria provided, single submitter. Criteria: GeneDx Variant Classification (06012015). Collection method: clinical testing. Allele origin: germline. Affected: yes.
Comment: This variant is denoted FANCC c.35A>G at the cDNA level, p.Tyr12Cys (Y12C) at the protein level, and results in the change of a Tyrosine to a Cysteine (TAT>TGT). This variant has not, to our knowledge, been published in the literature as pathogenic or benign. FANCC Tyr12Cys was not observed in approximately 6,500 individuals of European and African American ancestry in the NHLBI Exome Sequencing Project, indicating it is not a common benign variant in these populations. Since Tyrosine and Cysteine differ in polarity, charge, size or other properties, this is considered a non-conservative amino acid substitution. FANCC Tyr12Cys occurs at a position that is not conserved and is located in the RED binding domain (Gordon 2000). In silico analyses predict that this variant is unlikely to alter protein structure or function. Based on currently available information, it is unclear whether FANCC Tyr12Cys is pathogenic or benign. We consider it to be a variant of uncertain significance.

Natera, Inc.
Classification: Uncertain significance for Fanconi anemia, group C. Last evaluated: 2020-09-16. Review status: no assertion criteria provided. Collection method: clinical testing. Allele origin: germline. Not counted in ClinVar's aggregate classification.

NM_000136.3(FANCC):c.35A>G (p.Tyr12Cys)

Gene: FANCC (FA complementation group C; minus strand). Cytogenetic location: 9q22.32.
Variant type: single nucleotide variant.
Coding change: c.35A>G on transcript NM_000136.3 (MANE Select); coding-DNA position 35, A replaced by G.
Protein change: p.Tyr12Cys; replaces tyrosine 12 with cysteine.
Molecular consequence: missense variant.
Genome position (GRCh38, 1-based): chr9:95,249,257, T>C on the plus strand (A>G on the coding strand, the complement: FANCC is on the minus strand). VCF-style: chr9-95249257-T-C. GRCh37 (hg19) VCF-style: chr9-98011539-T-C.
Other names: c.35A>G, p.Tyr12Cys (NM_001243743.2, NM_001243744.2); short protein forms Y12C.
Identifiers: ClinVar variation 419583 (VCV000419583.8), dbSNP rs762884109, ClinGen allele CA5137846.